The following is an entry in ClinVar:

NM_003737.4(DCHS1):c.2955GGT[4] (p.Val988_Gln989insVal)

Gene: DCHS1 (dachsous cadherin-related 1; minus strand). Cytogenetic location: 11p15.4.
Variant type: Microsatellite.
Coding change: c.2955GGT[4] on transcript NM_003737.4 (MANE Select); four copies in a row of the 3-base unit GGT starting at c.2955; the reference has three copies in a row; one copy, 3 bases duplicated.
Protein change: p.Val988_Gln989insVal.
Molecular consequence: inframe insertion.
Genome position (GRCh38, 1-based): chr11:6,632,549-6,632,551, ACC duplicated on the plus strand (GGT on the coding strand, the reverse complement: DCHS1 is on the minus strand); duplicating any 3 consecutive bases within chr11:6,632,549-6,632,557 gives the same sequence; the position shown is the placement nearest the transcript's 3' end. VCF-style (leftmost placement, unchanged base first): chr11-6632548-T-TACC. GRCh37 (hg19) VCF-style: chr11-6653779-T-TACC.
Identifiers: ClinVar variation 1926075 (VCV001926075.5), dbSNP rs776215419, ClinGen allele CA5860626.

ClinVar aggregate classification (germline): Uncertain significance (1 of 4 stars; one submission).

Submission:

Labcorp Genetics (formerly Invitae), Labcorp
Classification: Uncertain significance. Last evaluated: 2025-09-16. Review status: criteria provided, single submitter. Criteria: Invitae Variant Classification Sherloc (09022015). Collection method: clinical testing. Allele origin: germline.
Comment: This variant, c.2961_2963dup, results in the insertion of 1 amino acid(s) of the DCHS1 protein (p.Val988dup), but otherwise preserves the integrity of the reading frame. This variant is not present in population databases (gnomAD no frequency). This variant has not been reported in the literature in individuals affected with DCHS1-related conditions. In summary, the available evidence is currently insufficient to determine the role of this variant in disease. Therefore, it has been classified as a Variant of Uncertain Significance.